The following is an entry in ClinVar:

ClinVar aggregate classification (germline): Uncertain significance (1 of 4 stars; one submission).

Conditions:
Mitochondrial DNA depletion syndrome 13. Also called: FBXL4-Related Encephalomyopathic Mitochondrial DNA Depletion Syndrome; Mitochondrial DNA depletion syndrome 13 (encephalomyopathic type). Identifiers: Orphanet 369897, MedGen C3809592, MONDO:0014198, OMIM 615471.

Allele frequency attached by ClinVar (database versions not stated): TOPMed below 0.00001; ExAC 0.00001; gnomAD 0.00001; gnomAD exomes below 0.00001.
gnomAD v4.1: 2 of 1,613,788 alleles (0.00012%); highest among the groups gnomAD compares: East Asian, 0.0022%; no homozygotes.

Submission:

Wong Mito Lab, Molecular and Human Genetics, Baylor College of Medicine
Classification: Uncertain significance for Mitochondrial DNA depletion syndrome 13. Last evaluated: 2017-08-10. Review status: criteria provided, single submitter. Criteria: ACMG Guidelines, 2015. Collection method: reference population. Allele origin: germline.
Comment: The NM_012160.4:c.1153A>G (NP_036292.2:p.Ser385Gly) [GRCH38: NC_000006.12:g.98899432T>C] variant in FBXL4 gene is interpretated to be a Uncertain Significance - Conflicting Evidence based on ACMG guidelines (PMID: 25741868). This variant meets one or more of the following evidence codes reported in the ACMG-guideline. PM2:This variant is absent in key population databases. BP4:Computational evidence/predictors indicate no impact on the FBXL4 structure, function, or protein-protein interaction. Based on this evidence code ClinGen Pathogenicity Calculator (PMID:28081714) suggested that the variant is Uncertain Significance - Conflicting Evidence.

NM_001278716.2(FBXL4):c.1153A>G (p.Ser385Gly)

Gene: FBXL4 (F-box and leucine rich repeat protein 4; minus strand). Cytogenetic location: 6q16.1.
Variant type: single nucleotide variant.
Coding change: c.1153A>G on transcript NM_001278716.2 (MANE Select); coding-DNA position 1153, A replaced by G.
Protein change: p.Ser385Gly; replaces serine 385 with glycine.
Molecular consequence: missense variant. On other transcripts: non-coding transcript variant (2).
Genome position (GRCh38, 1-based): chr6:98,899,432, T>C on the plus strand (A>G on the coding strand, the complement: FBXL4 is on the minus strand). VCF-style: chr6-98899432-T-C. GRCh37 (hg19) VCF-style: chr6-99347308-T-C.
Other names: c.1153A>G, p.Ser385Gly (NM_012160.5); short protein forms S385G.
Identifiers: ClinVar variation 437704 (VCV000437704.1), dbSNP rs756148359, ClinGen allele CA3933512.
Genomic context (GRCh38, chr6:98,899,432, plus strand): 5'-CCTGTAGATTTGGACACATCTCAGAAATAACTTCTAAGCAAGTTTCATTAAGAAAGTGGC[T>C]GCAAGACAATTCAAGGCGTACTAATTCGGATCCACAAACCTTCAGAAACCTGCCAAAACA-3'
Protein context (NP_001265645.1, residues 375-395): SELVRLELSC[Ser385Gly]HFLNETCLEV